The following is an entry in ClinVar:

ClinVar aggregate classification (germline): Uncertain significance (1 of 4 stars; one submission).

Allele frequency attached by ClinVar (database versions not stated): TOPMed below 0.00001.
gnomAD v4.1: 5 of 1,600,224 alleles (0.00031%); highest among the groups gnomAD compares: African/African-American, 0.0013%; no homozygotes.

Submission:

Labcorp Genetics (formerly Invitae), Labcorp
Classification: Uncertain significance. Last evaluated: 2023-08-24. Review status: criteria provided, single submitter. Criteria: Invitae Variant Classification Sherloc (09022015). Collection method: clinical testing. Allele origin: germline.
Comment: An algorithm developed to predict the effect of missense changes on protein structure and function (PolyPhen-2) suggests that this variant is likely to be tolerated. This sequence change replaces valine, which is neutral and non-polar, with leucine, which is neutral and non-polar, at codon 115 of the PMP2 protein (p.Val115Leu). This variant is not present in population databases (gnomAD no frequency). This variant has not been reported in the literature in individuals affected with PMP2-related conditions. ClinVar contains an entry for this variant (Variation ID: 1931185). In summary, the available evidence is currently insufficient to determine the role of this variant in disease. Therefore, it has been classified as a Variant of Uncertain Significance.

NM_002677.5(PMP2):c.343G>T (p.Val115Leu)

Gene: PMP2 (peripheral myelin protein 2; minus strand). Cytogenetic location: 8q21.13.
Variant type: single nucleotide variant.
Coding change: c.343G>T on transcript NM_002677.5 (MANE Select); coding-DNA position 343, G replaced by T.
Protein change: p.Val115Leu; replaces valine 115 with leucine.
Molecular consequence: missense variant.
Genome position (GRCh38, 1-based): chr8:81,444,505, C>A on the plus strand (G>T on the coding strand, the complement: PMP2 is on the minus strand). VCF-style: chr8-81444505-C-A. GRCh37 (hg19) VCF-style: chr8-82356740-C-A.
Other names: c.170G>T, p.Gly57Val (NM_001348381.2); short protein forms G57V, V115L.
Identifiers: ClinVar variation 1931185 (VCV001931185.5), dbSNP rs1309344783, ClinGen allele CA371516967.